The following is an entry in ClinVar:

ClinVar aggregate classification (germline): Conflicting classifications of pathogenicity. Review status: criteria provided, conflicting classifications (1 of 4 stars). 3 submissions from 3 submitters: Uncertain significance (1); Likely benign (2). Last evaluated 2023-03-31.

Conditions:
Hereditary cancer-predisposing syndrome. Also called: Neoplastic Syndromes, Hereditary; Tumor predisposition; Hereditary neoplastic syndrome; Hereditary Cancer Syndrome. Identifiers: Orphanet 140162, MedGen C0027672, MeSH D009386, MONDO:0015356.
Gorlin syndrome. Also called: Basal cell nevus syndrome; Nevoid Basal Cell Carcinoma Syndrome. Identifiers: Orphanet 377, MedGen C0004779, MONDO:0007187.
Medulloblastoma (MDB). Also called: Medulloblastoma, somatic; MEDULLOBLASTOMA PREDISPOSITION SYNDROME. Identifiers: Orphanet 616, MedGen C0025149, MeSH D008527, MONDO:0007959, OMIM 155255, HP:0002885.

Allele frequency attached by ClinVar (database versions not stated): gnomAD 0.00001; gnomAD exomes 0.00001; TOPMed 0.00001; ExAC 0.00002; ESP Exome Variant Server 0.00008.

Submissions (3):

Labcorp Genetics (formerly Invitae), Labcorp
Classification: Likely benign for Gorlin syndrome; Medulloblastoma. Last evaluated: 2023-03-31. Review status: criteria provided, single submitter. Criteria: Invitae Variant Classification Sherloc (09022015). Collection method: clinical testing. Allele origin: germline.

Ambry Genetics
Classification: Likely benign for Hereditary cancer-predisposing syndrome. Last evaluated: 2023-01-23. Review status: criteria provided, single submitter. Criteria: Ambry Variant Classification Scheme 2023. Collection method: clinical testing. Allele origin: germline.

Sema4
Classification: Uncertain significance for Hereditary cancer-predisposing syndrome. Last evaluated: 2021-06-27. Review status: criteria provided, single submitter. Criteria: Sema4 Curation Guidelines. Collection method: curation. Allele origin: germline.
Comment: The SUFU c.894G>T (p.R298=) variant has not been reported in the literature to our knowledge. It was observed in 3/24942 chromosomes of the African/African American subpopulation in the large and broad cohorts of the Genome Aggregation Database (PMID: 32461654). The variant has been reported in ClinVar (Variation ID 524676). In silico tools predict the variant to be conserved without an impact on splicing, though these predictions have not been confirmed by functional studies. The evidence is insufficient to meet ACMG/AMP criteria for classifying the variant as benign or pathogenic. Thus, the clinical significance of this variant is currently uncertain.

NM_016169.4(SUFU):c.894G>T (p.Arg298=)

Gene: SUFU (SUFU negative regulator of hedgehog signaling; plus strand). Cytogenetic location: 10q24.32.
Variant type: single nucleotide variant.
Coding change: c.894G>T on transcript NM_016169.4 (MANE Select); coding-DNA position 894, G replaced by T.
Protein change: p.Arg298=; no amino-acid change (arginine 298 retained).
Molecular consequence: synonymous variant.
Genome position (GRCh38, 1-based): chr10:102,597,277, G>T. VCF-style: chr10-102597277-G-T. GRCh37 (hg19) VCF-style: chr10-104357034-G-T.
Other names: c.894G>T, p.Arg298= (NM_001178133.2).
Identifiers: ClinVar variation 524676 (VCV000524676.14), dbSNP rs372636246, ClinGen allele CA5667799.